The following is an entry in ClinVar:

NM_182931.3(KMT2E):c.1131-8_1131-5del

Gene: KMT2E (lysine methyltransferase 2E (inactive); plus strand). Cytogenetic location: 7q22.3.
Variant type: Microsatellite.
Coding change: c.1131-8_1131-5del on transcript NM_182931.3 (MANE Select); 8 bases into the intron before coding-DNA position 1131 through 5 bases into the intron before coding-DNA position 1131, 4 bases deleted (CTTT; older notation c.1131-8_1131-5delCTTT).
Molecular consequence: intron variant.
Genome position (GRCh38, 1-based): chr7:105,078,838-105,078,841, CTTT deleted; deleting any 4 consecutive bases within chr7:105,078,831-105,078,841 gives the same sequence; the c. name uses the placement nearest the transcript's 3' end. VCF-style (leftmost placement, unchanged base first): chr7-105078830-GTTTC-G. GRCh37 (hg19) VCF-style: chr7-104719277-GTTTC-G.
Other names: c.1131-8_1131-5del (NM_001410908.1, NM_018682.4).
Identifiers: ClinVar variation 3688881 (VCV003688881.2).
Genomic context (GRCh38, chr7:105,078,830, plus strand): 5'-AGTGCTGGAATTACAGGTGTGAACCAGCATGCCCGGCCTAAAATGTTAATAGCTTATAAT[GTTTC>G]TTTCTTTGTAGACCATACCCTTTTGTGTTATTCTACTCTAAATTTCATGGGCTAGAAATG-3'

ClinVar aggregate classification (germline): Uncertain significance (1 of 4 stars; one submission).

Submission:

Labcorp Genetics (formerly Invitae), Labcorp
Classification: Uncertain significance. Last evaluated: 2024-03-28. Review status: criteria provided, single submitter. Criteria: Invitae Variant Classification Sherloc (09022015). Collection method: clinical testing. Allele origin: germline.
Comment: This sequence change falls in intron 11 of the KMT2E gene. It does not directly change the encoded amino acid sequence of the KMT2E protein. This variant is not present in population databases (gnomAD no frequency). This variant has not been reported in the literature in individuals affected with KMT2E-related conditions. Algorithms developed to predict the effect of sequence changes on RNA splicing suggest that this variant may disrupt the consensus splice site. In summary, the available evidence is currently insufficient to determine the role of this variant in disease. Therefore, it has been classified as a Variant of Uncertain Significance.